The following is an entry in ClinVar:

ClinVar aggregate classification (germline): Pathogenic. Review status: criteria provided, multiple submitters, no conflicts (2 of 4 stars). 2 submissions from 2 submitters: Pathogenic (2). Last evaluated 2023-09-11.

Conditions:
Very long chain acyl-CoA dehydrogenase deficiency (ACADVLD). Also called: VLCAD Deficiency; Very Long-Chain Acyl-Coenzyme A Dehydrogenase Deficiency. Identifiers: Orphanet 26793, MedGen C3887523, MONDO:0008723, OMIM 201475.

Submissions (2):

Labcorp Genetics (formerly Invitae), Labcorp
Classification: Pathogenic for Very long chain acyl-CoA dehydrogenase deficiency. Last evaluated: 2023-09-11. Review status: criteria provided, single submitter. Criteria: Invitae Variant Classification Sherloc (09022015). Collection method: clinical testing. Allele origin: germline.
Comment: This premature translational stop signal has been observed in individual(s) with very long chain acyl-CoA dehydrogenase deficiency (PMID: 10529389). For these reasons, this variant has been classified as Pathogenic. ClinVar contains an entry for this variant (Variation ID: 2434914). This variant is not present in population databases (gnomAD no frequency). This sequence change creates a premature translational stop signal (p.Tyr398*) in the ACADVL gene. It is expected to result in an absent or disrupted protein product. Loss-of-function variants in ACADVL are known to be pathogenic (PMID: 9973285, 11590124).

Revvity Omics, Revvity
Classification: Pathogenic for Very long chain acyl-CoA dehydrogenase deficiency. Last evaluated: 2022-04-22. Review status: criteria provided, single submitter. Criteria: ACMG Guidelines, 2015. Collection method: clinical testing. Allele origin: germline.

Literature cited by the submitters: PubMed 10529389 (cited by Labcorp Genetics (formerly Invitae), Labcorp); PubMed 9973285 (cited by Labcorp Genetics (formerly Invitae), Labcorp); PubMed 11590124 (cited by Labcorp Genetics (formerly Invitae), Labcorp).

NM_000018.4(ACADVL):c.1194C>G (p.Tyr398Ter)

Gene: ACADVL (acyl-CoA dehydrogenase very long chain; plus strand). Cytogenetic location: 17p13.1.
Variant type: single nucleotide variant.
Coding change: c.1194C>G on transcript NM_000018.4 (MANE Select); coding-DNA position 1194, C replaced by G.
Protein change: p.Tyr398Ter; replaces tyrosine 398 with a stop codon.
Molecular consequence: nonsense.
Genome position (GRCh38, 1-based): chr17:7,223,655, C>G. VCF-style: chr17-7223655-C-G. GRCh37 (hg19) VCF-style: chr17-7126974-C-G.
Other names: c.1128C>G, p.Tyr376Ter (NM_001033859.3); c.1263C>G, p.Tyr421Ter (NM_001270447.2); c.966C>G, p.Tyr322Ter (NM_001270448.2); short protein forms Y322*, Y376*, Y398*, Y421*.
Identifiers: ClinVar variation 2434914 (VCV002434914.6), dbSNP rs1597533847, ClinGen allele CA397724567.
Genomic context (GRCh38, chr17:7,223,655, plus strand): 5'-CAAAGCCCTTTGCAATTTTCCTTCCCATGTCCCAACTATGCAACCTCAGTCCATGGCTTA[C>G]ATGGTGAGTGCTAACATGGACCAGGGAGCCACGGACTTCCAGATAGAGGCCGCCATCAGC-3'